The following is an entry in ClinVar:

ClinVar aggregate classification (germline): Uncertain significance. Review status: criteria provided, multiple submitters, no conflicts (2 of 4 stars). 2 submissions from 2 submitters: Uncertain significance (2). Last evaluated 2025-12-15.

Conditions:
Inborn genetic diseases. Identifiers: MedGen C0950123, MeSH D030342.

Submissions (2):

Ambry Genetics
Classification: Uncertain significance for Inborn genetic diseases. Last evaluated: 2025-12-15. Review status: criteria provided, single submitter. Criteria: Ambry Variant Classification Scheme 2023. Collection method: clinical testing. Allele origin: germline.

Labcorp Genetics (formerly Invitae), Labcorp
Classification: Uncertain significance. Last evaluated: 2025-11-10. Review status: criteria provided, single submitter. Criteria: Invitae Variant Classification Sherloc (09022015). Collection method: clinical testing. Allele origin: germline.
Comment: This sequence change replaces proline, which is neutral and non-polar, with alanine, which is neutral and non-polar, at codon 737 of the CSF2RB protein (p.Pro737Ala). This variant is not present in population databases (gnomAD no frequency). This variant has not been reported in the literature in individuals affected with CSF2RB-related conditions. ClinVar contains an entry for this variant (Variation ID: 1715271). Invitae Evidence Modeling of protein sequence and biophysical properties (such as structural, functional, and spatial information, amino acid conservation, physicochemical variation, residue mobility, and thermodynamic stability) indicates that this missense variant is expected to disrupt CSF2RB protein function with a positive predictive value of 80%. In summary, the available evidence is currently insufficient to determine the role of this variant in disease. Therefore, it has been classified as a Variant of Uncertain Significance.

NM_000395.3(CSF2RB):c.2209C>G (p.Pro737Ala)

Gene: CSF2RB (colony stimulating factor 2 receptor subunit beta; plus strand). Cytogenetic location: 22q12.3.
Variant type: single nucleotide variant.
Coding change: c.2209C>G on transcript NM_000395.3 (MANE Select); coding-DNA position 2209, C replaced by G.
Protein change: p.Pro737Ala; replaces proline 737 with alanine.
Molecular consequence: missense variant.
Genome position (GRCh38, 1-based): chr22:36,938,017, C>G. VCF-style: chr22-36938017-C-G. GRCh37 (hg19) VCF-style: chr22-37334059-C-G.
Other names: c.2227C>G, p.Pro743Ala (NM_001410827.1); c.2209C>G (NM_000395.2); short protein forms P737A, P743A.
Identifiers: ClinVar variation 1715271 (VCV001715271.6), dbSNP rs760821596, ClinGen allele CA411411042.